The following is an entry in ClinVar:

NM_000166.6(GJB1):c.164_184dup (p.Thr55_Asn61dup)

Gene: GJB1 (gap junction protein beta 1; plus strand). Cytogenetic location: Xq13.1.
Variant type: Duplication.
Coding change: c.164_184dup on transcript NM_000166.6 (MANE Select); coding-DNA positions 164 to 184, 21 bases duplicated (CACTCCAGCCTGGCTGCAACA).
Protein change: p.Thr55_Asn61dup.
Molecular consequence: inframe insertion.
Genome position (GRCh38, 1-based): chrX:71,223,871-71,223,891, CACTCCAGCCTGGCTGCAACA duplicated; duplicating any 21 consecutive bases within chrX:71,223,863-71,223,891 gives the same sequence; the c. name uses the placement nearest the transcript's 3' end. VCF-style (leftmost placement, unchanged base first): chrX-71223862-T-TCTGCAACACACTCCAGCCTGG. GRCh37 (hg19) VCF-style: chrX-70443712-T-TCTGCAACACACTCCAGCCTGG.
Other names: c.164_184dup, p.Thr55_Asn61dup (NM_001097642.3); c.164_184dupCACTCCAGCCTGGCTGCAACA (NM_000166.5).
Identifiers: ClinVar variation 477589 (VCV000477589.8), dbSNP rs1555937071, ClinGen allele CA658659008.
Genomic context (GRCh38, chrX:71,223,862, plus strand): 5'-GAATCATGGTGCTGGTGGTGGCTGCAGAGAGTGTGTGGGGTGATGAGAAATCTTCCTTCA[T>TCTGCAACACACTCCAGCCTGG]CTGCAACACACTCCAGCCTGGCTGCAACAGCGTTTGCTATGACCAATTCTTCCCCATCTC-3'

ClinVar aggregate classification (germline): Uncertain significance. Review status: criteria provided, single submitter (1 of 4 stars). 2 submissions from 2 submitters: Uncertain significance (1). 1 of the submissions does not count toward it. Last evaluated 2017-04-26.

Conditions:
Charcot-Marie-Tooth Neuropathy X. Identifiers: MedGen CN118851.
Charcot-Marie-Tooth disease X-linked dominant 1. Also called: X-linked Charcot-Marie-Tooth disease type 1; CHARCOT-MARIE-TOOTH NEUROPATHY, X-LINKED, 1; CHARCOT-MARIE-TOOTH PERONEAL MUSCULAR ATROPHY, X-LINKED; Charcot-Marie-Tooth Neuropathy X Type 1; GJB1 Disorders: Charcot-Marie-Tooth Neuropathy (CMT1X) and Central Nervous System Phenotypes; HEREDITARY MOTOR AND SENSORY NEUROPATHY, X-LINKED. Identifiers: Orphanet 101075, MedGen C0393808, MONDO:0010549, OMIM 302800.

Submissions (2):

Labcorp Genetics (formerly Invitae), Labcorp
Classification: Uncertain significance for Charcot-Marie-Tooth Neuropathy X. Last evaluated: 2017-04-26. Review status: criteria provided, single submitter. Criteria: Invitae Variant Classification Sherloc (09022015). Collection method: clinical testing. Allele origin: germline.
Comment: In summary, this is a novel in-frame duplication with uncertain impact on protein function. It has been classified as a Variant of Uncertain Significance. Algorithms developed to predict the effect of sequence changes on RNA splicing suggest that this variant may alter RNA splicing, but this prediction has not been confirmed by published transcriptional studies. Experimental studies and prediction algorithms are not available for this variant, and the functional significance of the duplicated amino acids is currently unknown. This variant is not present in population databases (ExAC no frequency) and has not been reported in the literature in individuals with a GJB1-related disease. This sequence change inserts 21 nucleotides in exon 2 of the GJB1 mRNA (c.164_184dupCACTCCAGCCTGGCTGCAACA). This leads to the insertion of 7 amino acid residues in the GJB1 protein (p.Thr55_Asn61dup) but otherwise preserves the integrity of the reading frame.

OMIM
Classification: Pathogenic for CHARCOT-MARIE-TOOTH DISEASE, X-LINKED DOMINANT, 1. Last evaluated: 2002-09-24. Review status: no assertion criteria provided. Collection method: literature only. Allele origin: germline. Not counted in ClinVar's aggregate classification.

Literature cited by the submitters: PubMed 12297581 (cited by OMIM); PubMed 11723288 (cited by OMIM).